The following is an entry in ClinVar:

NM_003620.4(PPM1D):c.1281del (p.Trp427fs)

Gene: PPM1D (protein phosphatase, Mg2+/Mn2+ dependent 1D; plus strand). Cytogenetic location: 17q23.2.
Variant type: Deletion.
Coding change: c.1281del on transcript NM_003620.4 (MANE Select); coding-DNA position 1281, one base deleted (G; older notation c.1281delG).
Protein change: p.Trp427fs; shifts the reading frame from tryptophan 427.
Molecular consequence: frameshift variant.
Genome position (GRCh38, 1-based): chr17:60,663,015, G deleted; the last of 2 consecutive G bases (chr17:60,663,014-60,663,015); deleting either gives the same sequence. VCF-style (leftmost placement, unchanged base first): chr17-60663013-TG-T. GRCh37 (hg19) VCF-style: chr17-58740374-TG-T.
Other names: c.1281del (NM_003620.3); short protein forms W427fs.
Identifiers: ClinVar variation 4755520 (VCV004755520.2).

ClinVar aggregate classification (germline): Conflicting classifications of pathogenicity. Review status: criteria provided, conflicting classifications (1 of 4 stars). 2 submissions from 2 submitters: Likely pathogenic (1); Uncertain significance (1). Last evaluated 2026-03-09.

Conditions:
Intellectual developmental disorder with gastrointestinal difficulties and high pain threshold (JDVS). Also called: JANSEN-DE VRIES SYNDROME. Identifiers: Orphanet 653767, MedGen C4479517, MONDO:0044318, OMIM 617450.

Submissions (2):

GeneDx
Classification: Uncertain significance. Last evaluated: 2026-03-09. Review status: criteria provided, single submitter. Criteria: GeneDx Variant Classification Process June 2021. Collection method: clinical testing. Allele origin: germline.
Comment: Frameshift variant predicted to result in abnormal protein length as the last 179 amino acids are replaced with 3 different amino acids, and other similar variants have been reported in HGMD; Has not been previously published as pathogenic or benign to our knowledge

Medical and Scientific Branch, Hong Kong Genome Institute
Classification: Likely pathogenic for Intellectual developmental disorder with gastrointestinal difficulties and high pain threshold. Last evaluated: 2026-01-26. Review status: criteria provided, single submitter. Criteria: ACMG Guidelines, 2015. Collection method: clinical testing. Allele origin: de novo. Affected: yes.